The following is an entry in ClinVar:

ClinVar aggregate classification (germline): Likely pathogenic (1 of 4 stars; one submission).

Conditions:
Rare genetic deafness. Identifiers: Orphanet 96210, MedGen C5680250.

Submission:

Laboratory for Molecular Medicine, Mass General Brigham Personalized Medicine
Classification: Likely pathogenic for Rare genetic deafness. Last evaluated: 2017-06-20. Review status: criteria provided, single submitter. Criteria: LMM Criteria. Collection method: clinical testing. Allele origin: germline. Inheritance: Autosomal dominant inheritance. Observed: 4 variant alleles.
Comment: p.Tyr527Asn, c.1579T>A (EYA1; NM_172058.2; Chr8g.72127640A>T; GRCh37): The p.Tyr 527Asn variant in EYA1 has been reported in 2 individuals with Branchio-oto-rena l syndrome and segregated with disease in 3 affected relatives (Orten 2008, LMM data). This variant has not been reported in large population studies. A differ ent amino acid change at the same codon (p.Tyr527Cys) was identified in two prob ands with Branchio-oto-renal syndrome, suggesting that a change of amino acid at this position may not be tolerated (Orten 2008, Krup 2011). Computational predi ction tools and conservation analysis suggest that this variant may impact the p rotein, though this information is not predictive enough to determine pathogenic ity on its own. In summary, although additional studies are required to fully es tablish its clinical significance, this variant is likely pathogenic for autosom al dominant Branchio-oto-renal syndrome based on its occurrence in multiple affe cted individuals with clinical features of BOR, segregation with phenotypes in f amily members, extremely low allele frequency in the general population, and sup portive functional predictions.

Literature cited by the submitters: PubMed 18220287; PubMed 21280147; PubMed 23435380.

NM_000503.6(EYA1):c.1579T>A (p.Tyr527Asn)

Gene: EYA1 (EYA transcriptional coactivator and phosphatase 1; minus strand). Cytogenetic location: 8q13.3.
Variant type: single nucleotide variant.
Coding change: c.1579T>A on transcript NM_000503.6 (MANE Select); coding-DNA position 1579, T replaced by A.
Protein change: p.Tyr527Asn; replaces tyrosine 527 with asparagine.
Molecular consequence: missense variant.
Genome position (GRCh38, 1-based): chr8:71,215,405, A>T on the plus strand (T>A on the coding strand, the complement: EYA1 is on the minus strand). VCF-style: chr8-71215405-A-T. GRCh37 (hg19) VCF-style: chr8-72127640-A-T.
Other names: c.1561T>A, p.Tyr521Asn (NM_001288574.2, NM_172059.5); c.1213T>A, p.Tyr405Asn (NM_001288575.2); c.1666T>A, p.Tyr556Asn (NM_001370333.1); c.1579T>A, p.Tyr527Asn (NM_001370334.1, NM_001370335.1, NM_172058.4); c.1558T>A, p.Tyr520Asn (NM_001370336.1); short protein forms Y527N, Y521N, Y556N, Y405N, Y520N.
Identifiers: ClinVar variation 48103 (VCV000048103.4), dbSNP rs397517918, ClinGen allele CA262034.